The following is an entry in ClinVar:

ClinVar aggregate classification (germline): Benign/Likely benign. Review status: criteria provided, multiple submitters, no conflicts (2 of 4 stars). 7 submissions from 7 submitters: Benign (5); Likely benign (1). 1 of the submissions does not count toward it. Last evaluated 2026-01-26.

Conditions:
Myoclonic epilepsy, juvenile, susceptibility to, 1. Also called: Myoclonic Epilepsy, Juvenile, 1; EJM1. Identifiers: MedGen C1850778, MONDO:0020752, OMIM 254770.
Absence seizure. Also called: Absence epilepsy. Identifiers: Orphanet 1941, MedGen C0014553.
Juvenile myoclonic epilepsy (EJM). Also called: JANZ SYNDROME; PETIT MAL, IMPULSIVE. Identifiers: Orphanet 307, MedGen C0270853, MONDO:0009696.

Allele frequency attached by ClinVar (database versions not stated): ESP Exome Variant Server 0.17102; gnomAD 0.18650 and 0.19089; TOPMed 0.20033; 1000 Genomes Project 0.20288; 1000 Genomes Project 30x 0.20768; gnomAD exomes 0.20803 and 0.23716; ExAC 0.22856.
gnomAD v4.1: 332,681 of 1,613,142 alleles (21%); highest among the groups gnomAD compares: Admixed American, 42%; 37,413 homozygotes.

Submissions (10):

Labcorp Genetics (formerly Invitae), Labcorp
Classification: Benign for Myoclonic epilepsy, juvenile, susceptibility to, 1; Absence seizure. Last evaluated: 2026-01-26. Review status: criteria provided, single submitter. Criteria: Invitae Variant Classification Sherloc (09022015). Collection method: clinical testing. Allele origin: germline.

Blueprint Genetics
Classification: Benign. Last evaluated: 2024-11-27. Review status: criteria provided, single submitter. Criteria: ACMG Guidelines, 2015. Collection method: clinical testing. Allele origin: germline.

Athena Diagnostics
Classification: Benign for Myoclonic epilepsy, juvenile, susceptibility to, 1. Last evaluated: 2017-05-08. Review status: criteria provided, single submitter. Criteria: Athena Diagnostics Criteria. Collection method: clinical testing. Allele origin: germline.

GeneDx
Classification: Benign. Last evaluated: 2015-03-03. Review status: criteria provided, single submitter. Criteria: GeneDx Variant Classification Process June 2021. Collection method: clinical testing. Allele origin: germline. Affected: yes.

Breakthrough Genomics
Classification: Likely benign. Review status: criteria provided, single submitter. Criteria: ACMG Guidelines, 2015. Collection method: not provided. Allele origin: germline. Inheritance: Autosomal dominant inheritance. Affected: yes.

PreventionGenetics, part of Exact Sciences
Classification: Benign. Review status: criteria provided, single submitter. Criteria: ACMG Guidelines, 2015. Collection method: clinical testing. Allele origin: germline.

Dr. Peter K. Rogan Lab, Western University
No classification provided (evidence only). Condition: Malignant lymphoma, large B-cell, diffuse. Review status: no classification provided. Collection method: in vitro. Allele origin: not applicable. Functional consequence: retained intron. Not counted in ClinVar's aggregate classification.

Dr. Peter K. Rogan Lab, Western University
No classification provided (evidence only). Condition: Malignant lymphoma, large B-cell, diffuse. Review status: no classification provided. Collection method: in vitro. Allele origin: not applicable. Functional consequence: skipped exon, retained intron. Not counted in ClinVar's aggregate classification.

Dr. Peter K. Rogan Lab, Western University
No classification provided (evidence only). Condition: Hepatocellular carcinoma. Review status: no classification provided. Collection method: in vitro. Allele origin: not applicable. Functional consequence: retained intron. Not counted in ClinVar's aggregate classification.

Genetic Services Laboratory, University of Chicago
Classification: Likely benign for AllHighlyPenetrant. Review status: no assertion criteria provided. Collection method: clinical testing. Allele origin: germline. Not counted in ClinVar's aggregate classification.
Comment: Likely benign based on allele frequency in 1000 Genomes Project or ESP global frequency and its presence in a patient with a rare or unrelated disease phenotype. NOT Sanger confirmed.

NM_018100.4(EFHC1):c.573+10A>G

Gene: EFHC1 (EF-hand domain containing 1; plus strand). Cytogenetic location: 6p12.2.
Variant type: single nucleotide variant.
Coding change: c.573+10A>G on transcript NM_018100.4 (MANE Select); 10 bases into the intron after coding-DNA position 573, A replaced by G.
Molecular consequence: intron variant.
Genome position (GRCh38, 1-based): chr6:52,438,601, A>G. VCF-style: chr6-52438601-A-G. GRCh37 (hg19) VCF-style: chr6-52303399-A-G.
Other names: c.516+10A>G (NM_001172420.2).
Identifiers: ClinVar variation 128969 (VCV000128969.24), dbSNP rs9349626, ClinGen allele CA152693.
Genomic context (GRCh38, chr6:52,438,601, plus strand): 5'-ACAATTTATGGCAAAACTTTCCGCGTTGTTGACTGTGACCAATTCACACAGGTATAGCAT[A>G]TATTTTTGAAAGTTGTGGGGTCTGAGGCATCATTCTAATTTATAGAAGGATACATTTCAT-3'